The following is an entry in ClinVar:

ClinVar aggregate classification (germline): Uncertain significance (1 of 4 stars; one submission).

Allele frequency attached by ClinVar (database versions not stated): gnomAD exomes 0.00001; TOPMed 0.00001.
gnomAD v4.1: 13 of 1,613,594 alleles (0.00081%); highest among the groups gnomAD compares: African/African-American, 0.0013%; no homozygotes.

Submission:

Laboratorio de Genetica e Diagnostico Molecular, Hospital Israelita Albert Einstein
Classification: Uncertain significance. Last evaluated: 2021-02-01. Review status: criteria provided, single submitter. Criteria: ACMG Guidelines, 2015. Collection method: clinical testing. Allele origin: germline. Affected: yes.
Comment: ACMG classification criteria: PM2, BP4

NM_015028.4(TNIK):c.1333-5T>C

Gene: TNIK (TRAF2 and NCK interacting kinase; minus strand). Cytogenetic location: 3q26.2.
Variant type: single nucleotide variant.
Coding change: c.1333-5T>C on transcript NM_015028.4 (MANE Select); 5 bases into the intron before coding-DNA position 1333, T replaced by C.
Molecular consequence: intron variant.
Genome position (GRCh38, 1-based): chr3:171,139,561, A>G on the plus strand (T>C on the coding strand, the complement: TNIK is on the minus strand). VCF-style: chr3-171139561-A-G. GRCh37 (hg19) VCF-style: chr3-170857350-A-G.
Other names: c.1332+838T>C (NM_001161566.3, NM_001161565.3, NM_001161562.3 and 1 more transcripts); c.1333-5T>C (NM_001161564.3, NM_001161563.3, NM_001161560.3).
Identifiers: ClinVar variation 1690467 (VCV001690467.2), dbSNP rs948588947, ClinGen allele CA87738238.